The following is an entry in ClinVar:

ClinVar aggregate classification (germline): Uncertain significance. Review status: criteria provided, multiple submitters, no conflicts (2 of 4 stars). 2 submissions from 2 submitters: Uncertain significance (2). Last evaluated 2026-01-28.

Conditions:
Inborn genetic diseases. Identifiers: MedGen C0950123, MeSH D030342.
Joubert syndrome 21 (JBTS21). Identifiers: MedGen C3810212, MONDO:0014288, OMIM 615636.

gnomAD v4.1: 19 of 1,613,286 alleles (0.0012%); highest among the groups gnomAD compares: Admixed American, 0.022%; no homozygotes.

Submissions (2):

Labcorp Genetics (formerly Invitae), Labcorp
Classification: Uncertain significance for Joubert syndrome 21. Last evaluated: 2026-01-28. Review status: criteria provided, single submitter. Criteria: Invitae Variant Classification Sherloc (09022015). Collection method: clinical testing. Allele origin: germline.
Comment: This sequence change replaces tyrosine, which is neutral and polar, with cysteine, which is neutral and slightly polar, at codon 511 of the CSPP1 protein (p.Tyr511Cys). This variant is present in population databases (no rsID available, gnomAD 0.009%). This variant has not been reported in the literature in individuals affected with CSPP1-related conditions. ClinVar contains an entry for this variant (Variation ID: 3836944). An algorithm developed to predict the effect of missense changes on protein structure and function (PolyPhen-2) suggests that this variant is likely to be disruptive. In summary, the available evidence is currently insufficient to determine the role of this variant in disease. Therefore, it has been classified as a Variant of Uncertain Significance.

Ambry Genetics
Classification: Uncertain significance for Inborn genetic diseases. Last evaluated: 2025-02-24. Review status: criteria provided, single submitter. Criteria: Ambry Variant Classification Scheme 2023. Collection method: clinical testing. Allele origin: germline.

NM_001382391.1(CSPP1):c.1547A>G (p.Tyr516Cys)

Gene: CSPP1 (centrosome and spindle pole associated protein 1; plus strand). Cytogenetic location: 8q13.2.
Variant type: single nucleotide variant.
Coding change: c.1547A>G on transcript NM_001382391.1 (MANE Select); coding-DNA position 1547, A replaced by G.
Protein change: p.Tyr516Cys; replaces tyrosine 516 with cysteine.
Molecular consequence: missense variant.
Genome position (GRCh38, 1-based): chr8:67,118,298, A>G. VCF-style: chr8-67118298-A-G. GRCh37 (hg19) VCF-style: chr8-68030533-A-G.
Other names: c.650A>G, p.Tyr217Cys (NM_001291339.2); c.1466A>G, p.Tyr489Cys (NM_001363131.2); c.1505A>G, p.Tyr502Cys (NM_001363132.2); c.1424A>G, p.Tyr475Cys (NM_001363133.2); c.1613A>G, p.Tyr538Cys (NM_001364869.1); c.1433A>G, p.Tyr478Cys (NM_001364870.1); c.1532A>G, p.Tyr511Cys (NM_024790.7); short protein forms Y217C, Y478C, Y502C, Y516C, Y489C, Y538C, Y511C, Y475C.
Identifiers: ClinVar variation 3836944 (VCV003836944.2).
Genomic context (GRCh38, chr8:67,118,298, plus strand): 5'-TTTCATACAGGATTGCACCTCTGCCTCCACCTCCCCTACTACCACCTTTGGCTACTAACT[A>G]TCGAACTCCTTATGATGATGCATACTATTTTTATGGGTCCAGGAATACTTTCGATCCCAG-3'
Protein context (NP_001369320.1, residues 506-526): PPLLPPLATN[Tyr516Cys]RTPYDDAYYF